The following is an entry in ClinVar:

ClinVar aggregate classification (germline): Conflicting classifications of pathogenicity. Review status: criteria provided, conflicting classifications (1 of 4 stars). 2 submissions from 2 submitters: Pathogenic (1); Uncertain significance (1). Last evaluated 2025-09-19.

Submissions (2):

Labcorp Genetics (formerly Invitae), Labcorp
Classification: Uncertain significance. Last evaluated: 2025-09-19. Review status: criteria provided, single submitter. Criteria: Invitae Variant Classification Sherloc (09022015). Collection method: clinical testing. Allele origin: germline.
Comment: This sequence change replaces cysteine, which is neutral and slightly polar, with serine, which is neutral and polar, at codon 455 of the NOTCH3 protein (p.Cys455Ser). This variant is not present in population databases (gnomAD no frequency). This variant has not been reported in the literature in individuals affected with NOTCH3-related conditions. ClinVar contains an entry for this variant (Variation ID: 994823). Invitae Evidence Modeling of protein sequence and biophysical properties (such as structural, functional, and spatial information, amino acid conservation, physicochemical variation, residue mobility, and thermodynamic stability) indicates that this missense variant is expected to disrupt NOTCH3 protein function with a positive predictive value of 95%. In summary, the available evidence is currently insufficient to determine the role of this variant in disease. Therefore, it has been classified as a Variant of Uncertain Significance.

Athena Diagnostics
Classification: Pathogenic. Last evaluated: 2023-03-09. Review status: criteria provided, single submitter. Criteria: Athena Diagnostics Criteria. Collection method: clinical testing. Allele origin: unknown.
Comment: This variant has been identified in at least one individual with clinical features associated with CADASIL. This variant has not been reported in large, multi-ethnic general populations. This variant alters a critical location within the protein, and is expected to severely affect function and cause disease. Greater than 90% of NOTCH3 pathogenic variants associated with CADASIL involve the gain or loss of a cysteine residue within the epidermal growth factor (EGF)-like repeat domain (PMID: 32457593, 20301673).

NM_000435.3(NOTCH3):c.1363T>A (p.Cys455Ser)

Gene: NOTCH3 (notch receptor 3; minus strand). Cytogenetic location: 19p13.12.
Variant type: single nucleotide variant.
Coding change: c.1363T>A on transcript NM_000435.3 (MANE Select); coding-DNA position 1363, T replaced by A.
Protein change: p.Cys455Ser; replaces cysteine 455 with serine.
Molecular consequence: missense variant.
Genome position (GRCh38, 1-based): chr19:15,189,004, A>T on the plus strand (T>A on the coding strand, the complement: NOTCH3 is on the minus strand). VCF-style: chr19-15189004-A-T. GRCh37 (hg19) VCF-style: chr19-15299815-A-T.
Other names: short protein forms C455S.
Identifiers: ClinVar variation 994823 (VCV000994823.3), dbSNP rs28933698, ClinGen allele CA404527578.